The following is an entry in ClinVar:

ClinVar aggregate classification (germline): Uncertain significance. Review status: criteria provided, multiple submitters, no conflicts (2 of 4 stars). 2 submissions from 2 submitters: Uncertain significance (2). Last evaluated 2023-04-18.

Conditions:
Hereditary cancer-predisposing syndrome. Also called: Neoplastic Syndromes, Hereditary; Tumor predisposition; Hereditary Cancer Syndrome; Hereditary neoplastic syndrome. Identifiers: Orphanet 140162, MedGen C0027672, MeSH D009386, MONDO:0015356.

Submissions (2):

Ambry Genetics
Classification: Uncertain significance for Hereditary cancer-predisposing syndrome. Last evaluated: 2023-04-18. Review status: criteria provided, single submitter. Criteria: Ambry Variant Classification Scheme 2023. Collection method: clinical testing. Allele origin: germline.
Comment: The p.D69Y variant (also known as c.205G>T), located in coding exon 2 of the RAD50 gene, results from a G to T substitution at nucleotide position 205. The aspartic acid at codon 69 is replaced by tyrosine, an amino acid with highly dissimilar properties. This amino acid position is highly conserved in available vertebrate species. In addition, this alteration is predicted to be deleterious by in silico analysis. Since supporting evidence is limited at this time, the clinical significance of this alteration remains unclear.

Labcorp Genetics (formerly Invitae), Labcorp
Classification: Uncertain significance for Hereditary cancer-predisposing syndrome. Last evaluated: 2022-10-08. Review status: criteria provided, single submitter. Criteria: Invitae Variant Classification Sherloc (09022015). Collection method: clinical testing. Allele origin: germline.
Comment: This sequence change replaces aspartic acid, which is acidic and polar, with tyrosine, which is neutral and polar, at codon 69 of the RAD50 protein (p.Asp69Tyr). This variant is not present in population databases (gnomAD no frequency). This variant has not been reported in the literature in individuals affected with RAD50-related conditions. ClinVar contains an entry for this variant (Variation ID: 820624). Advanced modeling of protein sequence and biophysical properties (such as structural, functional, and spatial information, amino acid conservation, physicochemical variation, residue mobility, and thermodynamic stability) performed at Invitae indicates that this missense variant is expected to disrupt RAD50 protein function. In summary, the available evidence is currently insufficient to determine the role of this variant in disease. Therefore, it has been classified as a Variant of Uncertain Significance.

NM_005732.4(RAD50):c.205G>T (p.Asp69Tyr)

Gene: RAD50 (RAD50 double strand break repair protein; plus strand). Cytogenetic location: 5q31.1.
Variant type: single nucleotide variant.
Coding change: c.205G>T on transcript NM_005732.4 (MANE Select); coding-DNA position 205, G replaced by T.
Protein change: p.Asp69Tyr; replaces aspartic acid 69 with tyrosine.
Molecular consequence: missense variant.
Genome position (GRCh38, 1-based): chr5:132,559,359, G>T. VCF-style: chr5-132559359-G-T. GRCh37 (hg19) VCF-style: chr5-131895051-G-T.
Other names: short protein forms D69Y.
Identifiers: ClinVar variation 820624 (VCV000820624.12), dbSNP rs370769989, ClinGen allele CA360953784.